The following is an entry in ClinVar:

NM_178862.3(STT3B):c.372T>C (p.Asn124=)

Gene: STT3B (STT3 oligosaccharyltransferase complex catalytic subunit B; plus strand). Cytogenetic location: 3p23.
Variant type: single nucleotide variant.
Coding change: c.372T>C on transcript NM_178862.3 (MANE Select); coding-DNA position 372, T replaced by C.
Protein change: p.Asn124=; no amino-acid change (asparagine 124 retained).
Molecular consequence: synonymous variant.
Genome position (GRCh38, 1-based): chr3:31,576,453, T>C. VCF-style: chr3-31576453-T-C. GRCh37 (hg19) VCF-style: chr3-31617945-T-C.
Identifiers: ClinVar variation 516752 (VCV000516752.43), dbSNP rs150886803, ClinGen allele CA2294929.
Genomic context (GRCh38, chr3:31,576,453, plus strand): 5'-TAGGTTTAACTATAGATCAACACATCATCTTGCATCTCATGGGTTCTATGAATTTTTAAA[T>C]TGGTTTGATGAAAGAGCATGGTATCCACTAGGAAGAATAGTAGGTGGTACTGTAAGTATA-3'
Protein context (NP_849193.1, residues 114-134): LASHGFYEFL[Asn124=]WFDERAWYPL

ClinVar aggregate classification (germline): Benign/Likely benign. Review status: criteria provided, multiple submitters, no conflicts (2 of 4 stars). 4 submissions from 4 submitters: Benign (3); Likely benign (1). Last evaluated 2025-09-26.

Conditions:
STT3B-congenital disorder of glycosylation. Also called: CDG Ix; Congenital disorder of glycosylation type 1x; STT3B-CDG. Identifiers: Orphanet 370924, MedGen C2931007, MONDO:0014271, OMIM 615597.

Allele frequency attached by ClinVar (database versions not stated): 1000 Genomes Project 0.00080; 1000 Genomes Project 30x 0.00094; TOPMed 0.00148; ESP Exome Variant Server 0.00154; ExAC 0.00222; gnomAD 0.00235 and 0.00245; gnomAD exomes 0.00237 and 0.00293.
gnomAD v4.1: 4,562 of 1,606,632 alleles (0.28%); highest among the groups gnomAD compares: Non-Finnish European, 0.31%; 16 homozygotes.

Submissions (4):

Labcorp Genetics (formerly Invitae), Labcorp
Classification: Benign for STT3B-congenital disorder of glycosylation. Last evaluated: 2025-09-26. Review status: criteria provided, single submitter. Criteria: Invitae Variant Classification Sherloc (09022015). Collection method: clinical testing. Allele origin: germline.

Blueprint Genetics
Classification: Likely benign. Last evaluated: 2024-11-19. Review status: criteria provided, single submitter. Criteria: ACMG Guidelines, 2015. Collection method: clinical testing. Allele origin: germline.

CeGaT Center for Human Genetics Tuebingen
Classification: Benign. Last evaluated: 2022-06-01. Review status: criteria provided, single submitter. Criteria: CeGaT Center For Human Genetics Tuebingen Variant Classification Criteria Version 2. Collection method: clinical testing. Allele origin: germline. Affected: yes. Observed: 1 variant allele.
Comment: STT3B: BP4, BS1, BS2

GeneDx
Classification: Benign. Last evaluated: 2018-02-20. Review status: criteria provided, single submitter. Criteria: GeneDx Variant Classification (06012015). Collection method: clinical testing. Allele origin: germline. Affected: yes.
Comment: This variant is considered likely benign or benign based on one or more of the following criteria: it is a conservative change, it occurs at a poorly conserved position in the protein, it is predicted to be benign by multiple in silico algorithms, and/or has population frequency not consistent with disease.